The following is an entry in ClinVar:

ClinVar aggregate classification (germline): Uncertain significance. Review status: criteria provided, multiple submitters, no conflicts (2 of 4 stars). 2 submissions from 2 submitters: Uncertain significance (2). Last evaluated 2024-01-23.

Conditions:
Inborn genetic diseases. Identifiers: MedGen C0950123, MeSH D030342.
Exostoses, multiple, type 2 (EXT2). Also called: Hereditary Multiple Osteochondromatosis, Type II; EXOSTOSES, MULTIPLE, TYPE II. Identifiers: Orphanet 321, MedGen C1851413, MONDO:0007586, OMIM 133701.

Allele frequency attached by ClinVar (database versions not stated): gnomAD exomes below 0.00001; TOPMed below 0.00001.
gnomAD v4.1: 1 of 1,613,986 alleles (0.000062%); highest among the groups gnomAD compares: Non-Finnish European, 0.000085%; no homozygotes.

Submissions (2):

Ambry Genetics
Classification: Uncertain significance for Inborn genetic diseases. Last evaluated: 2024-01-23. Review status: criteria provided, single submitter. Criteria: Ambry Variant Classification Scheme 2023. Collection method: clinical testing. Allele origin: germline.

Labcorp Genetics (formerly Invitae), Labcorp
Classification: Uncertain significance for Exostoses, multiple, type 2. Last evaluated: 2023-06-27. Review status: criteria provided, single submitter. Criteria: Invitae Variant Classification Sherloc (09022015). Collection method: clinical testing. Allele origin: germline.
Comment: In summary, the available evidence is currently insufficient to determine the role of this variant in disease. Therefore, it has been classified as a Variant of Uncertain Significance. Advanced modeling of protein sequence and biophysical properties (such as structural, functional, and spatial information, amino acid conservation, physicochemical variation, residue mobility, and thermodynamic stability) has been performed at Invitae for this missense variant, however the output from this modeling did not meet the statistical confidence thresholds required to predict the impact of this variant on EXT2 protein function. This variant has not been reported in the literature in individuals affected with EXT2-related conditions. This variant is present in population databases (no rsID available, gnomAD 0.006%). This sequence change replaces arginine, which is basic and polar, with glutamine, which is neutral and polar, at codon 465 of the EXT2 protein (p.Arg465Gln).

NM_207122.2(EXT2):c.1394G>A (p.Arg465Gln)

Genes: EXT2 (exostosin glycosyltransferase 2; plus strand), LOC126861201 (MED14-independent group 3 enhancer GRCh37_chr11:44218806-44220005; plus strand). Cytogenetic location: 11p11.2.
Variant type: single nucleotide variant.
Coding change: c.1394G>A on transcript NM_207122.2 (MANE Select); coding-DNA position 1394, G replaced by A.
Protein change: p.Arg465Gln; replaces arginine 465 with glutamine.
Molecular consequence: missense variant.
Genome position (GRCh38, 1-based): chr11:44,197,917, G>A. VCF-style: chr11-44197917-G-A. GRCh37 (hg19) VCF-style: chr11-44219467-G-A.
Other names: c.1493G>A, p.Arg498Gln (NM_000401.3); c.1424G>A, p.Arg475Gln (NM_001178083.3); c.1394G>A, p.Arg465Gln (NM_001389628.1, NM_001389630.1); short protein forms R498Q, R475Q, R465Q.
Identifiers: ClinVar variation 2914481 (VCV002914481.4), dbSNP rs1162561512, ClinGen allele CA380179104.